The following is an entry in ClinVar:

ClinVar aggregate classification (germline): Likely benign (0 of 4 stars; one submission).

Conditions:
MAP4-related disorder. Also called: MAP4-related condition.

gnomAD v4.1: 24 of 1,553,252 alleles (0.0015%); highest among the groups gnomAD compares: East Asian, 0.0024%; no homozygotes.

Submission:

PreventionGenetics, part of Exact Sciences
Classification: Likely benign for MAP4-related condition. Last evaluated: 2024-09-17. Review status: no assertion criteria provided. Collection method: clinical testing. Allele origin: germline.
Comment: This variant is classified as likely benign based on ACMG/AMP sequence variant interpretation guidelines (Richards et al. 2015 PMID: 25741868, with internal and published modifications).

NM_001385682.1(MAP4):c.*100G>A

Gene: MAP4 (microtubule associated protein 4; minus strand). Cytogenetic location: 3p21.31.
Variant type: single nucleotide variant.
Coding change: c.*100G>A on transcript NM_001385682.1 (MANE Select); 100 bases downstream of the stop codon, G replaced by A.
Molecular consequence: 3 prime UTR variant. On other transcripts: synonymous variant (3).
Genome position (GRCh38, 1-based): chr3:47,852,834, C>T on the plus strand (G>A on the coding strand, the complement: MAP4 is on the minus strand). VCF-style: chr3-47852834-C-T. GRCh37 (hg19) VCF-style: chr3-47894324-C-T.
Other names: c.*100G>A (NM_001385665.1, NM_001385675.1, NM_001385676.1 and 53 more transcripts); c.*198G>A (NM_002375.5, NM_001384879.1, NM_001384893.1 and 77 more transcripts); c.3366G>A, p.Ser1122= (NM_001134364.2); c.3243G>A, p.Ser1081= (NM_001384681.1); c.3321G>A, p.Ser1107= (NM_001384756.1).
Identifiers: ClinVar variation 3351852 (VCV003351852.1).